The following is an entry in ClinVar:

ClinVar aggregate classification (germline): Uncertain significance (1 of 4 stars; one submission).

Conditions:
Congenital myasthenic syndrome 17. Identifiers: Orphanet 590, MedGen C4225377, MONDO:0014578, OMIM 616304.
Sclerosteosis 2 (SOST2). Identifiers: Orphanet 3152, MedGen C3280402, MONDO:0013679, OMIM 614305.
Cenani-Lenz syndactyly syndrome. Also called: CENANI SYNDACTYLISM; SYNDACTYLY, TYPE VII. Identifiers: Orphanet 3258, MedGen C1859309, MONDO:0008931, OMIM 212780.

Submission:

Labcorp Genetics (formerly Invitae), Labcorp
Classification: Uncertain significance for Cenani-Lenz syndactyly syndrome; Sclerosteosis 2; Congenital myasthenic syndrome 17. Last evaluated: 2022-06-04. Review status: criteria provided, single submitter. Criteria: Invitae Variant Classification Sherloc (09022015). Collection method: clinical testing. Allele origin: germline.
Comment: This variant is not present in population databases (gnomAD no frequency). In summary, the available evidence is currently insufficient to determine the role of this variant in disease. Therefore, it has been classified as a Variant of Uncertain Significance. Experimental studies and prediction algorithms are not available or were not evaluated, and the functional significance of this variant is currently unknown. ClinVar contains an entry for this variant (Variation ID: 639677). This variant has not been reported in the literature in individuals affected with LRP4-related conditions. This variant, c.5259_5267del, is a complex sequence change that results in the deletion of 4 and insertion of 1 amino acid(s) in the LRP4 protein (p.Lys1753_Asp1756delinsAsn).

NM_002334.4(LRP4):c.5259_5267del (p.Lys1753_Asp1756delinsAsn)

Genes: LRP4 (LDL receptor related protein 4; minus strand), LRP4-AS1 (LRP4 antisense RNA 1; plus strand). Cytogenetic location: 11p11.2.
Variant type: Deletion.
Coding change: c.5259_5267del on transcript NM_002334.4 (MANE Select); coding-DNA positions 5259 to 5267, 9 bases deleted (GTTCACTGA; older notation c.5259_5267delGTTCACTGA).
Protein change: p.Lys1753_Asp1756delinsAsn.
Molecular consequence: inframe indel.
Genome position (GRCh38, 1-based): chr11:46,862,724-46,862,732, TCAGTGAAC deleted on the plus strand (GTTCACTGA on the coding strand, the reverse complement: LRP4 is on the minus strand); deleting any 9 consecutive bases within chr11:46,862,724-46,862,733 gives the same sequence; the c. name uses the placement nearest the transcript's 3' end. VCF-style (leftmost placement, unchanged base first): chr11-46862723-ATCAGTGAAC-A. GRCh37 (hg19) VCF-style: chr11-46884274-ATCAGTGAAC-A.
Identifiers: ClinVar variation 639677 (VCV000639677.8), dbSNP rs1592509652, ClinGen allele CA915948115.